The following is an entry in ClinVar:

ClinVar aggregate classification (germline): Uncertain significance. Review status: criteria provided, multiple submitters, no conflicts (2 of 4 stars). 7 submissions from 7 submitters: Uncertain significance (6). 1 of the submissions does not count toward it. Last evaluated 2024-05-24.

Conditions:
Medulloblastoma (MDB). Also called: MEDULLOBLASTOMA PREDISPOSITION SYNDROME; Medulloblastoma, somatic. Identifiers: Orphanet 616, MedGen C0025149, MeSH D008527, MONDO:0007959, OMIM 155255, HP:0002885.
Familial dysautonomia. Also called: FD; HSAN III. Identifiers: Orphanet 1764, MedGen C0013364, MONDO:0009131, OMIM 223900. Disease mechanism: loss of function.

Allele frequency attached by ClinVar (database versions not stated): gnomAD exomes 0.00005 and 0.00011; gnomAD 0.00006; TOPMed 0.00006; ExAC 0.00007.
gnomAD v4.1: 163 of 1,614,062 alleles (0.01%); highest among the groups gnomAD compares: Non-Finnish European, 0.013%; no homozygotes.

Submissions (7):

Fulgent Genetics
Classification: Uncertain significance for Medulloblastoma; Familial dysautonomia. Last evaluated: 2024-05-24. Review status: criteria provided, single submitter. Criteria: ACMG Guidelines, 2015. Collection method: clinical testing. Allele origin: germline.

Ambry Genetics
Classification: Uncertain significance. Last evaluated: 2024-03-01. Review status: criteria provided, single submitter. Criteria: Ambry Variant Classification Scheme 2023. Collection method: clinical testing. Allele origin: germline.

Labcorp Genetics (formerly Invitae), Labcorp
Classification: Uncertain significance. Last evaluated: 2022-08-19. Review status: criteria provided, single submitter. Criteria: Invitae Variant Classification Sherloc (09022015). Collection method: clinical testing. Allele origin: germline.
Comment: This sequence change replaces glycine, which is neutral and non-polar, with arginine, which is basic and polar, at codon 382 of the ELP1 protein (p.Gly382Arg). This variant is present in population databases (rs776167946, gnomAD 0.01%). This variant has not been reported in the literature in individuals affected with ELP1-related conditions. ClinVar contains an entry for this variant (Variation ID: 242309). Algorithms developed to predict the effect of missense changes on protein structure and function are either unavailable or do not agree on the potential impact of this missense change (SIFT: "Tolerated"; PolyPhen-2: "Probably Damaging"; Align-GVGD: "Class C0"). In summary, the available evidence is currently insufficient to determine the role of this variant in disease. Therefore, it has been classified as a Variant of Uncertain Significance.

GeneDx
Classification: Uncertain significance. Last evaluated: 2019-05-30. Review status: criteria provided, single submitter. Criteria: GeneDx Variant Classification Process June 2021. Collection method: clinical testing. Allele origin: germline. Affected: yes.
Comment: Not observed at a significant frequency in large population cohorts (Lek et al., 2016); In silico analysis, which includes protein predictors and evolutionary conservation, supports a deleterious effect; Has not been previously published as pathogenic or benign to our knowledge

ARUP Laboratories, Molecular Genetics and Genomics, ARUP Laboratories
Classification: Uncertain significance. Last evaluated: 2017-07-21. Review status: criteria provided, single submitter. Criteria: ARUP Molecular Germline Variant Investigation Process. Collection method: clinical testing. Allele origin: germline.
Comment: The p.Gly382Arg variant (rs776167946) has not been reported in the medical literature, nor has it been previously identified by our laboratory. This variant is listed in the Genome Aggregation Database (gnomAD) with an overall population frequency of 0.006 percent (identified on 16 out of 277,212 chromosomes), and has been reported to ClinVar (Variation ID: 242309).The glycine at position 382 is moderately conserved considering thirteen species (Alamut v2.9.0) and computational analyses of the effects of the p.Gly382Arg variant on protein structure and function provide conflicting results (SIFT: tolerated, MutationTaster: disease causing, PolyPhen-2: probably damaging). Altogether, there is not enough evidence to classify the p.Gly382Arg variant with certainty.

Eurofins Ntd Llc (ga)
Classification: Uncertain significance. Last evaluated: 2017-04-04. Review status: criteria provided, single submitter. Criteria: EGL Classification Definitions 2015. Collection method: clinical testing. Allele origin: germline. Observed: 1 variant allele, 1 heterozygote.

Natera, Inc.
Classification: Uncertain significance for Familial dysautonomia. Last evaluated: 2020-09-16. Review status: no assertion criteria provided. Collection method: clinical testing. Allele origin: germline. Not counted in ClinVar's aggregate classification.

NM_003640.5(ELP1):c.1144G>A (p.Gly382Arg)

Gene: ELP1 (elongator acetyltransferase complex subunit 1; minus strand). Cytogenetic location: 9q31.3.
Variant type: single nucleotide variant.
Coding change: c.1144G>A on transcript NM_003640.5 (MANE Select); coding-DNA position 1144, G replaced by A.
Protein change: p.Gly382Arg; replaces glycine 382 with arginine.
Molecular consequence: missense variant.
Genome position (GRCh38, 1-based): chr9:108,912,309, C>T on the plus strand (G>A on the coding strand, the complement: ELP1 is on the minus strand). VCF-style: chr9-108912309-C-T. GRCh37 (hg19) VCF-style: chr9-111674589-C-T.
Other names: c.1144G>A (LRG_251t1); c.802G>A, p.Gly268Arg (NM_001318360.2); c.97G>A, p.Gly33Arg (NM_001330749.2); short protein forms G382R, G33R, G268R.
Identifiers: ClinVar variation 242309 (VCV000242309.21), dbSNP rs776167946, ClinGen allele CA5175104.
Genomic context (GRCh38, chr9:108,912,309, plus strand): 5'-TTCCCAGGAGCTTACTTCCATCAATGACAGCCACATTGGACAAGTCACTTGAATTATCTC[C>T]CACGCTCCGGTCAGTCGTCCAGTGCCAATCATAGGCGAGGTAATGCCAGCCCTGACAGAG-3'
Protein context (NP_003631.2, residues 372-392): DWHWTTDRSV[Gly382Arg]DNSSDLSNVA